The following is an entry in ClinVar:

NM_021076.4(NEFH):c.1065C>T (p.Ala355=)

Gene: NEFH (neurofilament heavy chain; plus strand). Cytogenetic location: 22q12.2.
Variant type: single nucleotide variant.
Coding change: c.1065C>T on transcript NM_021076.4 (MANE Select); coding-DNA position 1065, C replaced by T.
Protein change: p.Ala355=; no amino-acid change (alanine 355 retained).
Molecular consequence: synonymous variant.
Genome position (GRCh38, 1-based): chr22:29,483,556, C>T. VCF-style: chr22-29483556-C-T. GRCh37 (hg19) VCF-style: chr22-29879545-C-T.
Identifiers: ClinVar variation 754096 (VCV000754096.9), dbSNP rs144040465, ClinGen allele CA10174099.

ClinVar aggregate classification (germline): Likely benign. Review status: criteria provided, multiple submitters, no conflicts (2 of 4 stars). 2 submissions from 2 submitters: Likely benign (2). Last evaluated 2025-05-23.

Conditions:
NEFH-related disorder. Also called: NEFH-related condition.

Allele frequency attached by ClinVar (database versions not stated): ESP Exome Variant Server 0.00015; gnomAD 0.00003; gnomAD exomes 0.00003 and 0.00004; TOPMed 0.00003; ExAC 0.00004.
gnomAD v4.1: 48 of 1,613,600 alleles (0.003%); highest among the groups gnomAD compares: African/African-American, 0.0067%; no homozygotes.

Submissions (2):

Labcorp Genetics (formerly Invitae), Labcorp
Classification: Likely benign. Last evaluated: 2025-05-23. Review status: criteria provided, single submitter. Criteria: Invitae Variant Classification Sherloc (09022015). Collection method: clinical testing. Allele origin: germline.

PreventionGenetics, part of Exact Sciences
Classification: Likely benign for NEFH-related condition. Last evaluated: 2025-03-17. Review status: criteria provided, single submitter. Criteria: ACMG Guidelines, 2015. Collection method: clinical testing. Allele origin: germline.
Comment: This variant is classified as likely benign based on ACMG/AMP sequence variant interpretation guidelines (Richards et al. 2015 PMID: 25741868, with internal and published modifications).